The following is an entry in ClinVar:

NM_015047.3(EMC1):c.1327T>C (p.Trp443Arg)

Genes: EMC1 (ER membrane protein complex subunit 1; minus strand), EMC1-AS1 (EMC1 antisense RNA 1; plus strand). Cytogenetic location: 1p36.13.
Variant type: single nucleotide variant.
Coding change: c.1327T>C on transcript NM_015047.3 (MANE Select); coding-DNA position 1327, T replaced by C.
Protein change: p.Trp443Arg; replaces tryptophan 443 with arginine.
Molecular consequence: missense variant.
Genome position (GRCh38, 1-based): chr1:19,235,235, A>G on the plus strand (T>C on the coding strand, the complement: EMC1 is on the minus strand). VCF-style: chr1-19235235-A-G. GRCh37 (hg19) VCF-style: chr1-19561729-A-G.
Other names: c.1324T>C, p.Trp442Arg (NM_001271427.2, NM_001271428.2, NM_001375821.1); c.1261T>C, p.Trp421Arg (NM_001271429.2); c.1327T>C, p.Trp443Arg (NM_001375820.1); c.1327T>C (NM_015047.1); short protein forms W421R, W443R, W442R.
Identifiers: ClinVar variation 1493399 (VCV001493399.10), dbSNP rs371025215, ClinGen allele CA652591.

ClinVar aggregate classification (germline): Uncertain significance. Review status: criteria provided, multiple submitters, no conflicts (2 of 4 stars). 3 submissions from 3 submitters: Uncertain significance (2). 1 of the submissions does not count toward it. Last evaluated 2025-01-23.

Conditions:
Inborn genetic diseases. Identifiers: MedGen C0950123, MeSH D030342.
Retinal dystrophy. Also called: Inherited retinal dystrophy. Identifiers: Orphanet 71862, MedGen C0854723, MeSH D058499, MONDO:0019118, HP:0000556.

Allele frequency attached by ClinVar (database versions not stated): ExAC 0.00001; gnomAD 0.00001; gnomAD exomes 0.00001; TOPMed 0.00001; ESP Exome Variant Server 0.00008.
gnomAD v4.1: 13 of 1,612,912 alleles (0.00081%); highest among the groups gnomAD compares: Non-Finnish European, 0.0011%; no homozygotes.

Submissions (3):

Ambry Genetics
Classification: Uncertain significance for Inborn genetic diseases. Last evaluated: 2025-01-23. Review status: criteria provided, single submitter. Criteria: Ambry Variant Classification Scheme 2023. Collection method: clinical testing. Allele origin: germline.

Labcorp Genetics (formerly Invitae), Labcorp
Classification: Uncertain significance. Last evaluated: 2024-11-21. Review status: criteria provided, single submitter. Criteria: Invitae Variant Classification Sherloc (09022015). Collection method: clinical testing. Allele origin: germline.
Comment: This sequence change replaces tryptophan, which is neutral and slightly polar, with arginine, which is basic and polar, at codon 443 of the EMC1 protein (p.Trp443Arg). This variant is present in population databases (rs371025215, gnomAD 0.002%). This variant has not been reported in the literature in individuals affected with EMC1-related conditions. ClinVar contains an entry for this variant (Variation ID: 1493399). Invitae Evidence Modeling of protein sequence and biophysical properties (such as structural, functional, and spatial information, amino acid conservation, physicochemical variation, residue mobility, and thermodynamic stability) indicates that this missense variant is expected to disrupt EMC1 protein function with a positive predictive value of 80%. In summary, the available evidence is currently insufficient to determine the role of this variant in disease. Therefore, it has been classified as a Variant of Uncertain Significance.

Institute of Human Genetics, Univ. Regensburg, Univ. Regensburg
Classification: Uncertain significance for Retinal dystrophy. Last evaluated: 2022-01-01. Review status: no assertion criteria provided. Criteria: ACMG Guidelines, 2015. Collection method: clinical testing. Allele origin: germline. Affected: yes. Not counted in ClinVar's aggregate classification.